The following is an entry in ClinVar:

ClinVar aggregate classification (germline): Uncertain significance (1 of 4 stars; one submission).

Conditions:
Hereditary cancer-predisposing syndrome. Also called: Hereditary neoplastic syndrome; Neoplastic Syndromes, Hereditary; Tumor predisposition; Hereditary Cancer Syndrome. Identifiers: Orphanet 140162, MedGen C0027672, MeSH D009386, MONDO:0015356.

Submission:

Ambry Genetics
Classification: Uncertain significance for Hereditary cancer-predisposing syndrome. Last evaluated: 2025-08-27. Review status: criteria provided, single submitter. Criteria: Ambry Variant Classification Scheme 2023. Collection method: clinical testing. Allele origin: germline.
Comment: The p.Y84S variant (also known as c.251A>C), located in coding exon 3 of the MUTYH gene, results from an A to C substitution at nucleotide position 251. The tyrosine at codon 84 is replaced by serine, an amino acid with dissimilar properties. This amino acid position is conserved. In addition, this alteration is predicted to be tolerated by in silico analysis. Based on the available evidence, the clinical significance of this variant remains unclear.

NM_001048174.2(MUTYH):c.167A>C (p.Tyr56Ser)

Gene: MUTYH (mutY DNA glycosylase; minus strand). Cytogenetic location: 1p34.1.
Variant type: single nucleotide variant.
Coding change: c.167A>C on transcript NM_001048174.2 (MANE Select); coding-DNA position 167, A replaced by C.
Protein change: p.Tyr56Ser; replaces tyrosine 56 with serine.
Molecular consequence: missense variant. On other transcripts: 5 prime UTR variant (1), non-coding transcript variant (5), intron variant (5).
Genome position (GRCh38, 1-based): chr1:45,333,510, T>G on the plus strand (A>C on the coding strand, the complement: MUTYH is on the minus strand). VCF-style: chr1-45333510-T-G. GRCh37 (hg19) VCF-style: chr1-45799182-T-G.
Other names: c.167A>C, p.Tyr56Ser (NM_001048171.2, NM_001048173.2, NM_001293195.2 and 6 more transcripts); c.170A>C, p.Tyr57Ser (NM_001048172.2, NM_001407071.1, NM_001407078.1 and 2 more transcripts); c.251A>C, p.Tyr84Ser (NM_001128425.2); c.212A>C, p.Tyr71Ser (NM_001293190.2); c.200A>C, p.Tyr67Ser (NM_001293191.2, NM_001407077.1); c.-105A>C (NM_001350650.2); c.242A>C, p.Tyr81Ser (NM_001407069.1, NM_012222.3); c.209A>C, p.Tyr70Ser (NM_001407073.1, NM_001407083.1, NM_001407085.1); and 4 more; short protein forms Y56S, Y63S, Y67S, Y84S, Y28S, Y57S, Y70S, Y71S.
Identifiers: ClinVar variation 4113549 (VCV004113549.1).
Genomic context (GRCh38, chr1:45,333,510, plus strand): 5'-TACCAGCTTAGCAGGCTCCCTCGGAAGGCTGTGACTTCAGCTACGTCTCTGAATAGATGG[T>G]ATGAGGAGACAGAGGCCTGCAATACCACCTCTTCCGGCTGCCTGGCCAGGCCTGCTGGGG-3'
Protein context (NP_001041639.1, residues 46-66): EVVLQASVSS[Tyr56Ser]HLFRDVAEVT